The following is an entry in ClinVar:

NM_057176.3(BSND):c.425G>A (p.Gly142Glu)

Gene: BSND (barttin CLCNK type accessory subunit beta; plus strand). Cytogenetic location: 1p32.3.
Variant type: single nucleotide variant.
Coding change: c.425G>A on transcript NM_057176.3 (MANE Select); coding-DNA position 425, G replaced by A.
Protein change: p.Gly142Glu; replaces glycine 142 with glutamic acid.
Molecular consequence: missense variant.
Genome position (GRCh38, 1-based): chr1:55,007,149, G>A. VCF-style: chr1-55007149-G-A. GRCh37 (hg19) VCF-style: chr1-55472822-G-A.
Other names: short protein forms G142E.
Identifiers: ClinVar variation 227193 (VCV000227193.15), dbSNP rs769608234, ClinGen allele CA871333.

ClinVar aggregate classification (germline): Likely benign. Review status: criteria provided, multiple submitters, no conflicts (2 of 4 stars). 3 submissions from 3 submitters: Likely benign (3). Last evaluated 2025-01-16.

Conditions:
BSND-related disorder. Also called: BSND-related condition.

Allele frequency attached by ClinVar (database versions not stated): gnomAD exomes 0.00001 and 0.00012; TOPMed 0.00002; gnomAD 0.00006; ExAC 0.00010.

Submissions (3):

PreventionGenetics, part of Exact Sciences
Classification: Likely benign for BSND-related condition. Last evaluated: 2025-01-16. Review status: criteria provided, single submitter. Criteria: ACMG Guidelines, 2015. Collection method: clinical testing. Allele origin: germline.
Comment: This variant is classified as likely benign based on ACMG/AMP sequence variant interpretation guidelines (Richards et al. 2015 PMID: 25741868, with internal and published modifications).

Labcorp Genetics (formerly Invitae), Labcorp
Classification: Likely benign. Last evaluated: 2024-08-13. Review status: criteria provided, single submitter. Criteria: Invitae Variant Classification Sherloc (09022015). Collection method: clinical testing. Allele origin: germline.

Laboratory for Molecular Medicine, Mass General Brigham Personalized Medicine
Classification: Likely benign. Last evaluated: 2016-03-29. Review status: criteria provided, single submitter. Criteria: LMM Criteria. Collection method: clinical testing. Allele origin: germline. Observed: 1 variant allele.
Comment: p.Gly142Glu in exon 3 of BSND: This variant is not expected to have clinical si gnificance due to a lack of conservation across species, including mammals. Of n ote, 7 mammals have a glutamine(Glu) at this position despite high nearby amino acid conservation. In addition, computational prediction tools do not suggest a high likelihood of impact to the protein. It has been identified in 0.1% (12/864 8) of East Asian chromosomes by the Exome Aggregation Consortium (ExAC; dbSNP rs769608234).